The following is an entry in ClinVar:

ClinVar aggregate classification (germline): Uncertain significance. Review status: criteria provided, multiple submitters, no conflicts (2 of 4 stars). 2 submissions from 2 submitters: Uncertain significance (2). Last evaluated 2023-05-04.

Conditions:
Inborn genetic diseases. Identifiers: MedGen C0950123, MeSH D030342.

Allele frequency attached by ClinVar (database versions not stated): TOPMed below 0.00001.

Submissions (2):

Ambry Genetics
Classification: Uncertain significance for Inborn genetic diseases. Last evaluated: 2023-05-04. Review status: criteria provided, single submitter. Criteria: Ambry Variant Classification Scheme 2023. Collection method: clinical testing. Allele origin: germline.

GeneDx
Classification: Uncertain significance. Last evaluated: 2023-04-19. Review status: criteria provided, single submitter. Criteria: GeneDx Variant Classification Process June 2021. Collection method: clinical testing. Allele origin: germline. Affected: yes.
Comment: Not observed at significant frequency in large population cohorts (gnomAD); In silico analysis supports that this missense variant has a deleterious effect on protein structure/function; Has not been previously published as pathogenic or benign to our knowledge

NM_006922.4(SCN3A):c.3712A>G (p.Thr1238Ala)

Gene: SCN3A (sodium voltage-gated channel alpha subunit 3; minus strand). Cytogenetic location: 2q24.3.
Variant type: single nucleotide variant.
Coding change: c.3712A>G on transcript NM_006922.4 (MANE Select); coding-DNA position 3712, A replaced by G.
Protein change: p.Thr1238Ala; replaces threonine 1238 with alanine.
Molecular consequence: missense variant.
Genome position (GRCh38, 1-based): chr2:165,113,016, T>C on the plus strand (A>G on the coding strand, the complement: SCN3A is on the minus strand). VCF-style: chr2-165113016-T-C. GRCh37 (hg19) VCF-style: chr2-165969526-T-C.
Other names: c.3565A>G, p.Thr1189Ala (NM_001081676.2, NM_001081677.2); short protein forms T1238A, T1189A.
Identifiers: ClinVar variation 2543860 (VCV002543860.3), dbSNP rs1279331308, ClinGen allele CA349032718.